The following is an entry in ClinVar:

ClinVar aggregate classification (germline): Uncertain significance (1 of 4 stars; one submission).

Allele frequency attached by ClinVar (database versions not stated): TOPMed 0.00001; ExAC 0.00002.
gnomAD v4.1: 7 of 1,613,892 alleles (0.00043%); highest among the groups gnomAD compares: Admixed American, 0.012%; no homozygotes.

Submission:

GeneDx
Classification: Uncertain significance. Last evaluated: 2023-02-24. Review status: criteria provided, single submitter. Criteria: GeneDx Variant Classification Process June 2021. Collection method: clinical testing. Allele origin: germline. Affected: yes.
Comment: In silico analysis supports that this missense variant has a deleterious effect on protein structure/function; Has not been previously published as pathogenic or benign to our knowledge

NM_004700.4(KCNQ4):c.734G>A (p.Gly245Glu)

Gene: KCNQ4 (potassium voltage-gated channel subfamily Q member 4; plus strand). Cytogenetic location: 1p34.2.
Variant type: single nucleotide variant.
Coding change: c.734G>A on transcript NM_004700.4 (MANE Select); coding-DNA position 734, G replaced by A.
Protein change: p.Gly245Glu; replaces glycine 245 with glutamic acid.
Molecular consequence: missense variant.
Genome position (GRCh38, 1-based): chr1:40,819,372, G>A. VCF-style: chr1-40819372-G-A. GRCh37 (hg19) VCF-style: chr1-41285044-G-A.
Other names: c.734G>A, p.Gly245Glu (NM_172163.3); short protein forms G245E.
Identifiers: ClinVar variation 2577550 (VCV002577550.1), dbSNP rs755065456, ClinGen allele CA794628.